The following is an entry in ClinVar:

NM_024818.6(UBA5):c.1025-14G>A

Genes: NPHP3-ACAD11 (NPHP3-ACAD11 readthrough (NMD candidate); minus strand), UBA5 (ubiquitin like modifier activating enzyme 5; plus strand). Cytogenetic location: 3q22.1.
Variant type: single nucleotide variant.
Coding change: c.1025-14G>A on transcript NM_024818.6 (MANE Select); 14 bases into the intron before coding-DNA position 1025, G replaced by A.
Molecular consequence: intron variant.
Genome position (GRCh38, 1-based): chr3:132,675,803, G>A. VCF-style: chr3-132675803-G-A. GRCh37 (hg19) VCF-style: chr3-132394647-G-A.
Other names: c.857-14G>A (NM_198329.4, NM_001320210.2); c.689-14G>A (NM_001321239.1); c.755-14G>A (NM_001321238.2).
Identifiers: ClinVar variation 1901834 (VCV001901834.6), dbSNP rs552931444, ClinGen allele CA2621524.
Genomic context (GRCh38, chr3:132,675,803, plus strand): 5'-TAATAAGATTATACAAATTGAATAATTATTGCTTATTAAATTCCTTAAAAACTGACATAG[G>A]ATCAAATTTACAGGTATTGAGCTGGTATCTGAGGTTTCAGAAGAGGAACTGAAAAATTTT-3'

ClinVar aggregate classification (germline): Conflicting classifications of pathogenicity. Review status: criteria provided, conflicting classifications (1 of 4 stars). 2 submissions from 2 submitters: Uncertain significance (1); Likely benign (1). Last evaluated 2025-02-20.

Conditions:
Developmental and epileptic encephalopathy, 44 (DEE44). Also called: Epileptic encephalopathy, early infantile, 44. Identifiers: MedGen C4310700, MONDO:0014933, OMIM 617132.

Allele frequency attached by ClinVar (database versions not stated): ExAC 0.00007; 1000 Genomes Project 30x 0.00031; 1000 Genomes Project 0.00040.
gnomAD v4.1: 26 of 1,592,306 alleles (0.0016%); highest among the groups gnomAD compares: East Asian, 0.054%; no homozygotes.

Submissions (2):

Labcorp Genetics (formerly Invitae), Labcorp
Classification: Likely benign. Last evaluated: 2025-02-20. Review status: criteria provided, single submitter. Criteria: Invitae Variant Classification Sherloc (09022015). Collection method: clinical testing. Allele origin: germline.

3billion
Classification: Uncertain significance for Developmental and epileptic encephalopathy, 44. Last evaluated: 2024-07-05. Review status: criteria provided, single submitter. Criteria: ACMG Guidelines, 2015. Collection method: clinical testing. Allele origin: germline. Affected: yes.
Comment: The variant is observed at an extremely low frequency in the gnomAD v4.0.0 dataset (total allele frequency: 0.002%). Predicted Consequence/Location: Intron variant The variant has been reported as benign without evidence for the classification (ClinVar ID: VCV001901834). Therefore, this variant is classified as VUS according to the recommendation of ACMG/AMP guideline.